The following is an entry in ClinVar:

ClinVar aggregate classification (germline): Uncertain significance. Review status: criteria provided, multiple submitters, no conflicts (2 of 4 stars). 2 submissions from 2 submitters: Uncertain significance (2). Last evaluated 2026-02-14.

Conditions:
Familial thoracic aortic aneurysm and aortic dissection (TAAD). Also called: Thoracic aortic aneurysms and dissections. Identifiers: Orphanet 91387, MedGen C4707243, MONDO:0019625.
Aortic aneurysm, familial thoracic 7 (AAT7). Also called: AORTIC DISSECTION, FAMILIAL, WITH OR WITHOUT AORTIC ANEURYSM. Identifiers: MedGen C3151077, MONDO:0013418, OMIM 613780.

Allele frequency attached by ClinVar (database versions not stated): gnomAD exomes 0.00001; TOPMed 0.00001.
gnomAD v4.1: 8 of 1,609,464 alleles (0.0005%); highest among the groups gnomAD compares: Admixed American, 0.013%; no homozygotes.

Submissions (2):

Ambry Genetics
Classification: Uncertain significance for Familial thoracic aortic aneurysm and aortic dissection. Last evaluated: 2026-02-14. Review status: criteria provided, single submitter. Criteria: Ambry Variant Classification Scheme 2023. Collection method: clinical testing. Allele origin: germline.
Comment: The p.G835R variant (also known as c.2503G>C), located in coding exon 15 of the MYLK gene, results from a G to C substitution at nucleotide position 2503. The glycine at codon 835 is replaced by arginine, an amino acid with dissimilar properties. This amino acid position is conserved. In addition, this alteration is predicted to be tolerated by in silico analysis. Based on the available evidence, the clinical significance of this variant remains unclear.

Labcorp Genetics (formerly Invitae), Labcorp
Classification: Uncertain significance for Aortic aneurysm, familial thoracic 7. Last evaluated: 2022-12-31. Review status: criteria provided, single submitter. Criteria: Invitae Variant Classification Sherloc (09022015). Collection method: clinical testing. Allele origin: germline.
Comment: Advanced modeling of protein sequence and biophysical properties (such as structural, functional, and spatial information, amino acid conservation, physicochemical variation, residue mobility, and thermodynamic stability) performed at Invitae indicates that this missense variant is not expected to disrupt MYLK protein function. This sequence change replaces glycine, which is neutral and non-polar, with arginine, which is basic and polar, at codon 835 of the MYLK protein (p.Gly835Arg). This variant is present in population databases (no rsID available, gnomAD 0.01%). This variant has not been reported in the literature in individuals affected with MYLK-related conditions. In summary, the available evidence is currently insufficient to determine the role of this variant in disease. Therefore, it has been classified as a Variant of Uncertain Significance.

NM_053025.4(MYLK):c.2503G>C (p.Gly835Arg)

Gene: MYLK (myosin light chain kinase; minus strand). Cytogenetic location: 3q21.1.
Variant type: single nucleotide variant.
Coding change: c.2503G>C on transcript NM_053025.4 (MANE Select); coding-DNA position 2503, G replaced by C.
Protein change: p.Gly835Arg; replaces glycine 835 with arginine.
Molecular consequence: missense variant.
Genome position (GRCh38, 1-based): chr3:123,700,965, C>G on the plus strand (G>C on the coding strand, the complement: MYLK is on the minus strand). VCF-style: chr3-123700965-C-G. GRCh37 (hg19) VCF-style: chr3-123419812-C-G.
Other names: c.2503G>C (NM_053025.3); c.2296G>C, p.Gly766Arg (NM_053026.4, NM_053028.4); c.2503G>C, p.Gly835Arg (NM_053027.4); c.1975G>C, p.Gly659Arg (NM_001321309.2); short protein forms G659R, G835R, G766R.
Identifiers: ClinVar variation 2827294 (VCV002827294.5), dbSNP rs1348406740, ClinGen allele CA354232523.